The following is an entry in ClinVar:

NM_020647.4(JPH1):c.1212C>G (p.Ile404Met)

Gene: JPH1 (junctophilin 1; minus strand). Cytogenetic location: 8q21.11.
Variant type: single nucleotide variant.
Coding change: c.1212C>G on transcript NM_020647.4 (MANE Select); coding-DNA position 1212, C replaced by G.
Protein change: p.Ile404Met; replaces isoleucine 404 with methionine.
Molecular consequence: missense variant.
Genome position (GRCh38, 1-based): chr8:74,259,431, G>C on the plus strand (C>G on the coding strand, the complement: JPH1 is on the minus strand). VCF-style: chr8-74259431-G-C. GRCh37 (hg19) VCF-style: chr8-75171666-G-C.
Other names: c.1212C>G, p.Ile404Met (NM_001317830.2, NM_001363050.1, NM_001363051.1); short protein forms I404M.
Identifiers: ClinVar variation 4089426 (VCV004089426.2).
Genomic context (GRCh38, chr8:74,259,431, plus strand): 5'-GAGCACTGTTTTACCTGGTTGGTAGAAATCAGGTGACAGCTCCCTGGCCACAGCTCTCGC[G>C]ATGTCGCACTCCTGGCGAGCGGCCAGCGCGGCCTGGTCGGCGGCATCGGCCTTCGCTCTG-3'
Protein context (NP_065698.1, residues 394-414): AALAARQECD[Ile404Met]ARAVARELSP

ClinVar aggregate classification (germline): Uncertain significance. Review status: criteria provided, multiple submitters, no conflicts (2 of 4 stars). 2 submissions from 2 submitters: Uncertain significance (2). Last evaluated 2026-05-06.

gnomAD v4.1: 14 of 1,613,742 alleles (0.00087%); highest among the groups gnomAD compares: Non-Finnish European, 0.0011%; no homozygotes.

Submissions (2):

Women's Health and Genetics/Laboratory Corporation of America, LabCorp
Classification: Uncertain significance. Last evaluated: 2026-05-06. Review status: criteria provided, single submitter. Criteria: LabCorp Variant Classification Summary - May 2015. Collection method: clinical testing. Allele origin: germline.
Comment: Variant summary: JPH1 c.1212C>G (p.Ile404Met) results in a conservative amino acid change in the encoded protein sequence. Algorithms developed to predict the effect of missense changes on protein structure and function are either unavailable or do not agree on the potential impact of this missense change. The variant allele was found at a frequency of 8e-06 in 250812 control chromosomes. The available data on variant occurrences in the general population are insufficient to allow any conclusion about variant significance. To our knowledge, no occurrence of c.1212C>G in individuals affected with JPH1-related conditions and no experimental evidence demonstrating its impact on protein function have been reported. ClinVar contains an entry for this variant (Variation ID: 4089426). Based on the evidence outlined above, the variant was classified as uncertain significance.

Ambry Genetics
Classification: Uncertain significance. Last evaluated: 2025-08-11. Review status: criteria provided, single submitter. Criteria: Ambry Variant Classification Scheme 2023. Collection method: clinical testing. Allele origin: germline.